The following is an entry in ClinVar:

ClinVar aggregate classification (germline): Pathogenic. Review status: criteria provided, multiple submitters, no conflicts (2 of 4 stars). 6 submissions from 6 submitters: Pathogenic (5). 1 of the submissions does not count toward it. Last evaluated 2023-04-09.
ClinVar aggregate classification (somatic clinical impact): Tier II - Potential (1 of 4 stars; one submission).

Conditions:
Congenital muscular hypertrophy-cerebral syndrome (CDLS2). Also called: SMC1A-Related Cornelia de Lange Syndrome; Cornelia de Lange syndrome 2. Identifiers: Orphanet 199, MedGen C1802395, MONDO:0010370, OMIM 300590.
Posterior fossa group A ependymoma. Identifiers: MedGen C5670548, MONDO:0956992.

Submissions (7):

Institute for Genomic Medicine (IGM) Clinical Laboratory, Nationwide Children's Hospital
Classification: Tier II - Potential for Posterior fossa group A ependymoma. Assertion type: diagnostic. Clinical significance: supports diagnosis. Last evaluated: 2025-03-10. Review status: criteria provided, single submitter. Criteria: AMP/ASCO/CAP Guidelines, 2017. Collection method: clinical testing. Allele origin: somatic. Affected: yes.
Comment: Variant has Tier II (potential) clinical significance as a diagnostic inclusion criterion in posterior fossa group A ependymoma, based on the following evidence: 1) Information in the literature supports potential biologic effect of variant (PMIDs: 18996922, 22140011). 2) Assists in diagnosis alone or along with other biomarkers based on small studies or few case reports (Evidence Level D; PMID: 18299561).

Labcorp Genetics (formerly Invitae), Labcorp
Classification: Pathogenic for Congenital muscular hypertrophy-cerebral syndrome. Last evaluated: 2023-04-09. Review status: criteria provided, single submitter. Criteria: Invitae Variant Classification Sherloc (09022015). Collection method: clinical testing. Allele origin: germline.
Comment: For these reasons, this variant has been classified as Pathogenic. This variant disrupts the p.Arg496 amino acid residue in SMC1A. Other variant(s) that disrupt this residue have been determined to be pathogenic (PMID: 17273969; Invitae). This suggests that this residue is clinically significant, and that variants that disrupt this residue are likely to be disease-causing. Experimental studies have shown that this missense change affects SMC1A function (PMID: 18996922). Advanced modeling of protein sequence and biophysical properties (such as structural, functional, and spatial information, amino acid conservation, physicochemical variation, residue mobility, and thermodynamic stability) performed at Invitae indicates that this missense variant is expected to disrupt SMC1A protein function. ClinVar contains an entry for this variant (Variation ID: 11675). This missense change has been observed in individual(s) with Cornelia de Lange syndrome (PMID: 17273969, 22140011, 24461912). In at least one individual the variant was observed to be de novo. It has also been observed to segregate with disease in related individuals. This variant is not present in population databases (gnomAD no frequency). This sequence change replaces arginine, which is basic and polar, with histidine, which is basic and polar, at codon 496 of the SMC1A protein (p.Arg496His).

3billion
Classification: Pathogenic for Congenital muscular hypertrophy-cerebral syndrome. Last evaluated: 2022-01-03. Review status: criteria provided, single submitter. Criteria: ACMG Guidelines, 2015. Collection method: clinical testing. Allele origin: germline. Affected: yes. Observed: 1 heterozygote.
Comment: The variant has been previously reported as de novo in a similarly affected individual (PMID: 22140011, PS2_S). Same nucleotide change resulting in same amino acid change has been previously reported as pathogenic/likely pathogenic with strong evidence (ClinVar ID: VCV000011675, PMID:17273969, PS1_S). A different missense change at the same codon has been reported as pathogenic/likely pathogenic with strong evidence (ClinVar ID: VCV000841238, PMID:17273969, PM5_M). In silico tool predictions suggest damaging effect of the variant on gene or gene product (REVEL: 0.95, 3CNET: 0.977, PP3_P). A missense variant is a common mechanism associated with Cornelia de Lange syndrome 2 (PP2_P). It is not observed in the gnomAD v2.1.1 dataset (PM2_M).Therefore, this variant is classified as pathogenic according to the recommendation of ACMG/AMP guideline.

GeneDx
Classification: Pathogenic. Last evaluated: 2021-02-05. Review status: criteria provided, single submitter. Criteria: GeneDx Variant Classification Process June 2021. Collection method: clinical testing. Allele origin: germline. Affected: yes.
Comment: Not observed in large population cohorts (Lek et al., 2016); The majority of missense variants in this gene are considered pathogenic (Stenson et al., 2014); In silico analysis, which includes protein predictors and evolutionary conservation, supports a deleterious effect; This variant is associated with the following publications: (PMID: 28835994, 28548707, 30158690, 24461912, 22581668, 17273969, 19262687, 20583156, 26725122, 19701948, 18996922, 22140011)

Centre for Mendelian Genomics, University Medical Centre Ljubljana
Classification: Pathogenic for Congenital muscular hypertrophy-cerebral syndrome. Last evaluated: 2019-03-06. Review status: criteria provided, single submitter. Criteria: ACMG Guidelines, 2015. Collection method: clinical testing. Allele origin: unknown. Affected: yes.
Comment: This variant was classified as: Pathogenic. The following ACMG criteria were applied in classifying this variant: PS1,PM2,PP2,PP3.

Baylor Genetics
Classification: Pathogenic for Cornelia de Lange syndrome 2. Last evaluated: 2018-03-08. Review status: criteria provided, single submitter. Criteria: ACMG Guidelines, 2015. Collection method: clinical testing. Allele origin: de novo. Affected: yes. Observed: 1 variant allele.

OMIM
Classification: Pathogenic for CORNELIA DE LANGE SYNDROME 2. Last evaluated: 2009-02-01. Review status: no assertion criteria provided. Collection method: literature only. Allele origin: germline. Not counted in ClinVar's aggregate classification.

Literature cited by the submitters: PubMed 18996922 (cited by 3 submitters); PubMed 22140011 (cited by 3 submitters); PubMed 18299561 (cited by Institute for Genomic Medicine (IGM) Clinical Laboratory, Nationwide Children's Hospital); PubMed 17273969 (cited by 4 submitters); PubMed 24461912 (cited by Labcorp Genetics (formerly Invitae), Labcorp); PubMed 30158690 (cited by Baylor Genetics).

NM_006306.4(SMC1A):c.1487G>A (p.Arg496His)

Gene: SMC1A (structural maintenance of chromosomes 1A; minus strand). Cytogenetic location: Xp11.22.
Variant type: single nucleotide variant.
Coding change: c.1487G>A on transcript NM_006306.4 (MANE Select); coding-DNA position 1487, G replaced by A.
Protein change: p.Arg496His; replaces arginine 496 with histidine.
Molecular consequence: missense variant.
Genome position (GRCh38, 1-based): chrX:53,409,120, C>T on the plus strand (G>A on the coding strand, the complement: SMC1A is on the minus strand). VCF-style: chrX-53409120-C-T. GRCh37 (hg19) VCF-style: chrX-53436051-C-T.
Other names: c.1421G>A, p.Arg474His (NM_001281463.1); short protein forms R496H, R474H.
Identifiers: ClinVar variation 11675 (VCV000011675.16), dbSNP rs122454123, ClinGen allele CA255969.